The following is an entry in ClinVar:

NM_001172696.1(TSFM):c.355G>C

Gene: TSFM (Ts translation elongation factor, mitochondrial; plus strand). Cytogenetic location: 12q14.1.
Variant type: single nucleotide variant.
Coding change: c.355G>C on transcript NM_001172696.1; coding-DNA position 355, G replaced by C.
Molecular consequence: missense variant (on NM_005726.6).
Genome position (GRCh38, 1-based): chr12:57,786,286, G>C. VCF-style: chr12-57786286-G-C. GRCh37 (hg19) VCF-style: chr12-58180069-G-C.
Other names: c.355G>C, p.Val119Leu (NM_001172695.2, NM_001172696.2, NM_001172697.2 and 1 more transcripts); short protein forms V119L.
Identifiers: ClinVar variation 242493 (VCV000242493.3), dbSNP rs863224936.

ClinVar aggregate classification (germline): Likely pathogenic (1 of 4 stars; one submission).

Conditions:
Fatal mitochondrial disease due to combined oxidative phosphorylation defect type 3. Also called: Combined oxidative phosphorylation deficiency 3; ENCEPHALOMYOPATHY, RESPIRATORY FAILURE, AND LACTIC ACIDOSIS. Identifiers: Orphanet 168566, MedGen C1864840, MONDO:0012512, OMIM 610505.

Submission:

Natera, Inc.
Classification: Likely pathogenic for Combined oxidative phosphorylation deficiency 3. Last evaluated: 2025-04-18. Review status: criteria provided, single submitter. Criteria: Natera Variant Classification Schema (03/2026). Collection method: clinical testing. Allele origin: germline.
Comment: The c.355G>C variant in TSFM is a missense variant predicted to cause substitution of valine to leucine at amino acid 119. This variant is rare in the general population with a frequency below the threshold expected for the associated phenotype(s). This variant has been observed in one or more individuals affected with the associated recessive disease, as either homozygous or compound heterozygous with a second variant (PMID: 25326637). This variant has been identified in one or more affected individual with a phenotype highly consistent with the associated gene (PMID: 25326637). Computational prediction algorithms indicate this variant is likely to affect gene or protein function. Given the available evidence, this variant is classified as Likely Pathogenic.

Literature cited by the submitters: PubMed 25326637.